The following is an entry in ClinVar:

NM_001142966.3(GREB1L):c.513T>C (p.His171=)

Genes: GREB1L (GREB1 like retinoic acid receptor coactivator; plus strand), GREB1L-AS1 (GREB1L antisense RNA 1; minus strand). Cytogenetic location: 18q11.1.
Variant type: single nucleotide variant.
Coding change: c.513T>C on transcript NM_001142966.3 (MANE Select); coding-DNA position 513, T replaced by C.
Protein change: p.His171=; no amino-acid change (histidine 171 retained).
Molecular consequence: synonymous variant.
Genome position (GRCh38, 1-based): chr18:21,395,542, T>C. VCF-style: chr18-21395542-T-C. GRCh37 (hg19) VCF-style: chr18-18975503-T-C.
Other names: c.513T>C, p.His171= (NM_001410867.1, NM_001410868.1).
Identifiers: ClinVar variation 4985496 (VCV004985496.1).
Genomic context (GRCh38, chr18:21,395,542, plus strand): 5'-CAATCTGCCTGAACACATCCTAGTTTGTGCTGTGGACAAGCGATTTCTACCAGATGATCA[T>C]GGAAAAAATGCACTTTTAGGTGAGTGTTTCATGCTTATAAAATTCCTTCCAATATGAGGG-3'
Protein context (NP_001136438.1, residues 161-181): AVDKRFLPDD[His171=]GKNALLGFSG

ClinVar aggregate classification (germline): Likely benign (1 of 4 stars; one submission).

Conditions:
GREB1L-related disorder. Also called: GREB1L-related condition.

gnomAD v4.1: 11 of 1,548,456 alleles (0.00071%); highest among the groups gnomAD compares: East Asian, 0.0024%; no homozygotes.

Submission:

PreventionGenetics, part of Exact Sciences
Classification: Likely benign for GREB1L-related condition. Last evaluated: 2024-12-06. Review status: criteria provided, single submitter. Criteria: ACMG Guidelines, 2015. Collection method: clinical testing. Allele origin: germline.
Comment: This variant is classified as likely benign based on ACMG/AMP sequence variant interpretation guidelines (Richards et al. 2015 PMID: 25741868, with internal and published modifications).